The following is an entry in ClinVar:

NM_004974.4(KCNA2):c.1232C>A (p.Ser411Tyr)

Gene: KCNA2 (potassium voltage-gated channel subfamily A member 2; minus strand). Cytogenetic location: 1p13.3.
Variant type: single nucleotide variant.
Coding change: c.1232C>A on transcript NM_004974.4 (MANE Select); coding-DNA position 1232, C replaced by A.
Protein change: p.Ser411Tyr; replaces serine 411 with tyrosine.
Molecular consequence: missense variant. On other transcripts: intron variant (1).
Genome position (GRCh38, 1-based): chr1:110,603,551, G>T on the plus strand (C>A on the coding strand, the complement: KCNA2 is on the minus strand). VCF-style: chr1-110603551-G-T. GRCh37 (hg19) VCF-style: chr1-111146173-G-T.
Other names: c.894+338C>A (NM_001204269.2); short protein forms S411Y.
Identifiers: ClinVar variation 4090069 (VCV004090069.2).

ClinVar aggregate classification (germline): Conflicting classifications of pathogenicity. Review status: criteria provided, conflicting classifications (1 of 4 stars). 2 submissions from 2 submitters: Likely pathogenic (1); Uncertain significance (1). Last evaluated 2025-09-09.

Conditions:
Developmental and epileptic encephalopathy, 32 (DEE32). Also called: Epileptic encephalopathy, early infantile, 32. Identifiers: Orphanet 442835, MedGen C4225350, MONDO:0014607, OMIM 616366.
Inborn genetic diseases. Identifiers: MedGen C0950123, MeSH D030342.

Submissions (2):

Ambry Genetics
Classification: Likely pathogenic for Inborn genetic diseases. Last evaluated: 2025-09-09. Review status: criteria provided, single submitter. Criteria: Ambry Variant Classification Scheme 2023. Collection method: clinical testing. Allele origin: germline.
Comment: The c.1232C>A (p.S411Y) alteration is located in exon 3 (coding exon 1) of the KCNA2 gene. This alteration results from a C to A substitution at nucleotide position 1232, causing the serine (S) at amino acid position 411 to be replaced by a tyrosine (Y). This variant was not reported in population-based cohorts in the Genome Aggregation Database (gnomAD). This amino acid position is highly conserved in available vertebrate species. This missense alteration is located in a region that has a low rate of benign missense variation (Lek, 2016; Firth, 2009). This alteration is predicted to be deleterious by in silico analysis. Based on the available evidence, this alteration is classified as likely pathogenic.

Labcorp Genetics (formerly Invitae), Labcorp
Classification: Uncertain significance for Developmental and epileptic encephalopathy, 32. Last evaluated: 2025-07-02. Review status: criteria provided, single submitter. Criteria: Invitae Variant Classification Sherloc (09022015). Collection method: clinical testing. Allele origin: germline.
Comment: This sequence change replaces serine, which is neutral and polar, with tyrosine, which is neutral and polar, at codon 411 of the KCNA2 protein (p.Ser411Tyr). This variant is not present in population databases (gnomAD no frequency). This variant has not been reported in the literature in individuals affected with KCNA2-related conditions. Invitae Evidence Modeling of protein sequence and biophysical properties (such as structural, functional, and spatial information, amino acid conservation, physicochemical variation, residue mobility, and thermodynamic stability) indicates that this missense variant is expected to disrupt KCNA2 protein function with a positive predictive value of 95%. In summary, the available evidence is currently insufficient to determine the role of this variant in disease. Therefore, it has been classified as a Variant of Uncertain Significance.